The following is an entry in ClinVar:

NM_015340.4(LARS2):c.2073del (p.Trp691fs)

Gene: LARS2 (leucyl-tRNA synthetase 2, mitochondrial; plus strand). Cytogenetic location: 3p21.31.
Variant type: Deletion.
Coding change: c.2073del on transcript NM_015340.4 (MANE Select); coding-DNA position 2073, one base deleted (G; older notation c.2073delG).
Protein change: p.Trp691fs; shifts the reading frame from tryptophan 691.
Molecular consequence: frameshift variant.
Genome position (GRCh38, 1-based): chr3:45,517,931, G deleted; the last of 2 consecutive G bases (chr3:45,517,930-45,517,931); deleting either gives the same sequence. VCF-style (leftmost placement, unchanged base first): chr3-45517929-TG-T. GRCh37 (hg19) VCF-style: chr3-45559421-TG-T.
Other names: c.2073del, p.Trp691fs (NM_001368263.1); short protein forms W691fs.
Identifiers: ClinVar variation 3695712 (VCV003695712.2).

ClinVar aggregate classification (germline): Pathogenic (1 of 4 stars; one submission).

Submission:

Labcorp Genetics (formerly Invitae), Labcorp
Classification: Pathogenic. Last evaluated: 2024-09-11. Review status: criteria provided, single submitter. Criteria: Invitae Variant Classification Sherloc (09022015). Collection method: clinical testing. Allele origin: germline.
Comment: This sequence change creates a premature translational stop signal (p.Trp691Cysfs*8) in the LARS2 gene. It is expected to result in an absent or disrupted protein product. Loss-of-function variants in LARS2 are known to be pathogenic (PMID: 23541342, 30737337). This variant is not present in population databases (gnomAD no frequency). This variant has not been reported in the literature in individuals affected with LARS2-related conditions. For these reasons, this variant has been classified as Pathogenic.

Literature cited by the submitters: PubMed 23541342; PubMed 30737337.